The following is an entry in ClinVar:

ClinVar aggregate classification (germline): Uncertain significance. Review status: criteria provided, multiple submitters, no conflicts (2 of 4 stars). 2 submissions from 2 submitters: Uncertain significance (2). Last evaluated 2022-08-22.

Conditions:
Sclerosteosis 2 (SOST2). Identifiers: Orphanet 3152, MedGen C3280402, MONDO:0013679, OMIM 614305.
Cenani-Lenz syndactyly syndrome. Also called: SYNDACTYLY, TYPE VII; CENANI SYNDACTYLISM. Identifiers: Orphanet 3258, MedGen C1859309, MONDO:0008931, OMIM 212780.
Congenital myasthenic syndrome 17. Identifiers: Orphanet 590, MedGen C4225377, MONDO:0014578, OMIM 616304.

Allele frequency attached by ClinVar (database versions not stated): gnomAD 0.00001; gnomAD exomes 0.00003 and 0.00005; ExAC 0.00004; TOPMed 0.00005.
gnomAD v4.1: 17 of 1,613,970 alleles (0.0011%); highest among the groups gnomAD compares: Admixed American, 0.028%; no homozygotes.

Submissions (2):

Labcorp Genetics (formerly Invitae), Labcorp
Classification: Uncertain significance for Cenani-Lenz syndactyly syndrome; Sclerosteosis 2; Congenital myasthenic syndrome 17. Last evaluated: 2022-08-22. Review status: criteria provided, single submitter. Criteria: Invitae Variant Classification Sherloc (09022015). Collection method: clinical testing. Allele origin: germline.
Comment: This sequence change replaces proline, which is neutral and non-polar, with alanine, which is neutral and non-polar, at codon 230 of the LRP4 protein (p.Pro230Ala). This variant is present in population databases (rs773770584, gnomAD 0.04%). This variant has not been reported in the literature in individuals affected with LRP4-related conditions. ClinVar contains an entry for this variant (Variation ID: 1477241). Algorithms developed to predict the effect of missense changes on protein structure and function are either unavailable or do not agree on the potential impact of this missense change (SIFT: "Deleterious"; PolyPhen-2: "Benign"; Align-GVGD: "Class C0"). In summary, the available evidence is currently insufficient to determine the role of this variant in disease. Therefore, it has been classified as a Variant of Uncertain Significance.

Fulgent Genetics
Classification: Uncertain significance for Cenani-Lenz syndactyly syndrome; Sclerosteosis 2; Congenital myasthenic syndrome 17. Last evaluated: 2022-01-02. Review status: criteria provided, single submitter. Criteria: ACMG Guidelines, 2015. Collection method: clinical testing. Allele origin: unknown.

NM_002334.4(LRP4):c.688C>G (p.Pro230Ala)

Gene: LRP4 (LDL receptor related protein 4; minus strand). Cytogenetic location: 11p11.2.
Variant type: single nucleotide variant.
Coding change: c.688C>G on transcript NM_002334.4 (MANE Select); coding-DNA position 688, C replaced by G.
Protein change: p.Pro230Ala; replaces proline 230 with alanine.
Molecular consequence: missense variant.
Genome position (GRCh38, 1-based): chr11:46,898,666, G>C on the plus strand (C>G on the coding strand, the complement: LRP4 is on the minus strand). VCF-style: chr11-46898666-G-C. GRCh37 (hg19) VCF-style: chr11-46920217-G-C.
Other names: short protein forms P230A.
Identifiers: ClinVar variation 1477241 (VCV001477241.4), dbSNP rs773770584, ClinGen allele CA5970403.
Genomic context (GRCh38, chr11:46,898,666, plus strand): 5'-AGCGCCAGCCTGCATTGATGCACAGGCCACTGTCACACATGAACTCCCCAGAGCGGCAGG[G>C]CTGGTGGGAGGCTAGGGAAACACAAGACTTCTGTCTCTAGCCAGTCTGTGCAGTGTCCCA-3'
Protein context (NP_002325.2, residues 220-240): SDESDCSSHQ[Pro230Ala]CRSGEFMCDS